The following is an entry in ClinVar:

ClinVar aggregate classification (germline): Uncertain significance (1 of 4 stars; one submission).

Conditions:
Autosomal recessive limb-girdle muscular dystrophy type 2L (LGMDR12). Also called: Limb-Girdle Muscular Dystrophy R12 Anoctamin-5-Related (LGMD-R12); MUSCULAR DYSTROPHY, LIMB-GIRDLE, AUTOSOMAL RECESSIVE 12; Limb-girdle muscular dystrophy, type 2L. Identifiers: Orphanet 206549, MedGen C1969785, MONDO:0012652, OMIM 611307.
Gnathodiaphyseal dysplasia (GDD). Also called: GNATHODIAPHYSEAL SCLEROSIS; OSTEOGENESIS IMPERFECTA WITH UNUSUAL SKELETAL LESIONS. Identifiers: Orphanet 53697, MedGen C1833736, MONDO:0008151, OMIM 166260.

Submission:

Labcorp Genetics (formerly Invitae), Labcorp
Classification: Uncertain significance for Autosomal recessive limb-girdle muscular dystrophy type 2L; Gnathodiaphyseal dysplasia. Last evaluated: 2023-10-15. Review status: criteria provided, single submitter. Criteria: Invitae Variant Classification Sherloc (09022015). Collection method: clinical testing. Allele origin: germline.
Comment: This sequence change replaces leucine, which is neutral and non-polar, with serine, which is neutral and polar, at codon 692 of the ANO5 protein (p.Leu692Ser). This variant is not present in population databases (gnomAD no frequency). This variant has not been reported in the literature in individuals affected with ANO5-related conditions. Advanced modeling of protein sequence and biophysical properties (such as structural, functional, and spatial information, amino acid conservation, physicochemical variation, residue mobility, and thermodynamic stability) performed at Invitae indicates that this missense variant is expected to disrupt ANO5 protein function. In summary, the available evidence is currently insufficient to determine the role of this variant in disease. Therefore, it has been classified as a Variant of Uncertain Significance.

NM_213599.3(ANO5):c.2075T>C (p.Leu692Ser)

Gene: ANO5 (anoctamin 5; plus strand). Cytogenetic location: 11p14.3.
Variant type: single nucleotide variant.
Coding change: c.2075T>C on transcript NM_213599.3 (MANE Select); coding-DNA position 2075, T replaced by C.
Protein change: p.Leu692Ser; replaces leucine 692 with serine.
Molecular consequence: missense variant.
Genome position (GRCh38, 1-based): chr11:22,272,829, T>C. VCF-style: chr11-22272829-T-C. GRCh37 (hg19) VCF-style: chr11-22294375-T-C.
Other names: c.2072T>C, p.Leu691Ser (NM_001142649.2); c.2033T>C, p.Leu678Ser (NM_001410963.1); c.2030T>C, p.Leu677Ser (NM_001410964.1); short protein forms L677S, L692S, L691S, L678S.
Identifiers: ClinVar variation 2926517 (VCV002926517.3), dbSNP rs2494376142, ClinGen allele CA379923695.